The following is an entry in ClinVar:

NM_032237.5(POMK):c.1044G>T (p.Glu348Asp)

Gene: POMK (protein O-mannose kinase; plus strand). Cytogenetic location: 8p11.21.
Variant type: single nucleotide variant.
Coding change: c.1044G>T on transcript NM_032237.5 (MANE Select); coding-DNA position 1044, G replaced by T.
Protein change: p.Glu348Asp; replaces glutamic acid 348 with aspartic acid.
Molecular consequence: missense variant.
Genome position (GRCh38, 1-based): chr8:43,122,868, G>T. VCF-style: chr8-43122868-G-T. GRCh37 (hg19) VCF-style: chr8-42978011-G-T.
Other names: c.1044G>T, p.Glu348Asp (NM_001277971.2); short protein forms E348D.
Identifiers: ClinVar variation 1476183 (VCV001476183.8), dbSNP rs1426912299, ClinGen allele CA371123408.

ClinVar aggregate classification (germline): Uncertain significance (1 of 4 stars; one submission).

Conditions:
Muscular dystrophy-dystroglycanopathy (congenital with brain and eye anomalies), type a, 12 (MDDGA12). Also called: WALKER-WARBURG SYNDROME OR MUSCLE-EYE-BRAIN DISEASE, POMK-RELATED. Identifiers: Orphanet 899, MedGen C3808964, MONDO:0014101, OMIM 615249.
Limb-girdle muscular dystrophy due to POMK deficiency. Also called: MUSCULAR DYSTROPHY-DYSTROGLYCANOPATHY, LIMB-GIRDLE, POMK-RELATED; Muscular dystrophy-dystroglycanopathy (limb-girdle), type c, 12. Identifiers: Orphanet 445110, MedGen C4015184, MONDO:0014489, OMIM 616094.

Submission:

Labcorp Genetics (formerly Invitae), Labcorp
Classification: Uncertain significance for Muscular dystrophy-dystroglycanopathy (congenital with brain and eye anomalies), type a, 12; Limb-girdle muscular dystrophy due to POMK deficiency. Last evaluated: 2022-06-20. Review status: criteria provided, single submitter. Criteria: Invitae Variant Classification Sherloc (09022015). Collection method: clinical testing. Allele origin: germline.
Comment: In summary, the available evidence is currently insufficient to determine the role of this variant in disease. Therefore, it has been classified as a Variant of Uncertain Significance. Algorithms developed to predict the effect of missense changes on protein structure and function are either unavailable or do not agree on the potential impact of this missense change (SIFT: "Tolerated"; PolyPhen-2: "Probably Damaging"; Align-GVGD: "Class C0"). This variant has not been reported in the literature in individuals affected with POMK-related conditions. This variant is not present in population databases (gnomAD no frequency). This sequence change replaces glutamic acid, which is acidic and polar, with aspartic acid, which is acidic and polar, at codon 348 of the POMK protein (p.Glu348Asp).